The following is an entry in ClinVar:

NM_032447.5(FBN3):c.4150G>T (p.Gly1384Trp)

Gene: FBN3 (fibrillin 3; minus strand). Cytogenetic location: 19p13.2.
Variant type: single nucleotide variant.
Coding change: c.4150G>T on transcript NM_032447.5 (MANE Select); coding-DNA position 4150, G replaced by T.
Protein change: p.Gly1384Trp; replaces glycine 1384 with tryptophan.
Molecular consequence: missense variant.
Genome position (GRCh38, 1-based): chr19:8,111,118, C>A on the plus strand (G>T on the coding strand, the complement: FBN3 is on the minus strand). VCF-style: chr19-8111118-C-A. GRCh37 (hg19) VCF-style: chr19-8176002-C-A.
Other names: c.4150G>T (NM_032447.3); c.4150G>T, p.Gly1384Trp (NM_001321431.2); short protein forms G1384W.
Identifiers: ClinVar variation 2730482 (VCV002730482.4), dbSNP rs749227346, ClinGen allele CA403740144.
Genomic context (GRCh38, chr19:8,111,118, plus strand): 5'-CCTGGCAGGCCCGGTGGTCCTCGGTGGGGTCAAAGCCCATCTCACATTCACAGCGGTACC[C>A]GCCGGGCGCATTGAGGCACTGCCCGTTGTCACAGAGGTCCACGTTCTCGGCACATTCATC-3'
Protein context (NP_115823.3, residues 1374-1394): DNGQCLNAPG[Gly1384Trp]YRCECEMGFD

ClinVar aggregate classification (germline): Uncertain significance. Review status: criteria provided, multiple submitters, no conflicts (2 of 4 stars). 2 submissions from 2 submitters: Uncertain significance (2). Last evaluated 2025-05-21.

gnomAD v4.1: 2 of 1,613,572 alleles (0.00012%); highest among the groups gnomAD compares: Non-Finnish European, 0.000085%; no homozygotes.

Submissions (2):

Ambry Genetics
Classification: Uncertain significance. Last evaluated: 2025-05-21. Review status: criteria provided, single submitter. Criteria: Ambry Variant Classification Scheme 2023. Collection method: clinical testing. Allele origin: germline.

Labcorp Genetics (formerly Invitae), Labcorp
Classification: Uncertain significance. Last evaluated: 2023-06-27. Review status: criteria provided, single submitter. Criteria: Invitae Variant Classification Sherloc (09022015). Collection method: clinical testing. Allele origin: germline.
Comment: In summary, the available evidence is currently insufficient to determine the role of this variant in disease. Therefore, it has been classified as a Variant of Uncertain Significance. Advanced modeling of protein sequence and biophysical properties (such as structural, functional, and spatial information, amino acid conservation, physicochemical variation, residue mobility, and thermodynamic stability) performed at Invitae indicates that this missense variant is not expected to disrupt FBN3 protein function. This variant has not been reported in the literature in individuals affected with FBN3-related conditions. The frequency data for this variant in the population databases is considered unreliable, as metrics indicate poor data quality at this position in the gnomAD database. This sequence change replaces glycine, which is neutral and non-polar, with tryptophan, which is neutral and slightly polar, at codon 1384 of the FBN3 protein (p.Gly1384Trp).